The following is an entry in ClinVar:

NM_004415.4(DSP):c.7738del (p.Asp2580fs)

Gene: DSP (desmoplakin; plus strand). Cytogenetic location: 6p24.3.
Variant type: Deletion.
Coding change: c.7738del on transcript NM_004415.4 (MANE Select); coding-DNA position 7738, one base deleted (G; older notation c.7738delG).
Protein change: p.Asp2580fs; shifts the reading frame from aspartic acid 2580.
Molecular consequence: frameshift variant.
Genome position (GRCh38, 1-based): chr6:7,585,000, G deleted. VCF-style (leftmost placement, unchanged base first): chr6-7584999-TG-T. GRCh37 (hg19) VCF-style: chr6-7585232-TG-T.
Other names: c.5941del, p.Asp1981fs (NM_001008844.3); c.6409del, p.Asp2137fs (NM_001319034.2); short protein forms D2137fs, D2580fs, D1981fs.
Identifiers: ClinVar variation 2045131 (VCV002045131.4), dbSNP rs2533947751, ClinGen allele CA2580075381.
Genomic context (GRCh38, chr6:7,584,999, plus strand): 5'-CATGATCTCCTTGAAAAATGGTGTCGGCACCAGCAGCAGCATGGGCAGTGGTGTCAGCGA[TG>T]ATGTTTTTAGCAGCTCCCGACATGAATCAGTAAGTAAGATTTCCACCATATCCAGCGTCA-3'

ClinVar aggregate classification (germline): Pathogenic (1 of 4 stars; one submission).

Conditions:
Arrhythmogenic right ventricular dysplasia 8 (ARVD8). Also called: Arrhythmogenic Right Ventricular Dysplasia/Cardiomyopathy 8; ARRHYTHMOGENIC RIGHT VENTRICULAR DYSPLASIA, FAMILIAL, 8; ARRHYTHMOGENIC RIGHT VENTRICULAR CARDIOMYOPATHY 8. Identifiers: MedGen C1843896, MONDO:0011831, OMIM 607450.
Arrhythmogenic cardiomyopathy with wooly hair and keratoderma. Also called: Dilated cardiomyopathy with woolly hair and keratoderma; Arrhythmogenic cardiomyopathy with woolly hair and keratoderma; PALMOPLANTAR KERATODERMA WITH LEFT VENTRICULAR CARDIOMYOPATHY AND WOOLLY HAIR; Carvajal syndrome. Identifiers: Orphanet 65282, MedGen C1854063, MONDO:0011581, OMIM 605676.

Submission:

Labcorp Genetics (formerly Invitae), Labcorp
Classification: Pathogenic for Arrhythmogenic cardiomyopathy with wooly hair and keratoderma; Arrhythmogenic right ventricular dysplasia 8. Last evaluated: 2022-07-27. Review status: criteria provided, single submitter. Criteria: Invitae Variant Classification Sherloc (09022015). Collection method: clinical testing. Allele origin: germline.
Comment: This variant has not been reported in the literature in individuals affected with DSP-related conditions. For these reasons, this variant has been classified as Pathogenic. This variant disrupts a region of the DSP protein in which other variant(s) (p.Glu2728Glyfs*11) have been determined to be pathogenic (Invitae). This suggests that this is a clinically significant region of the protein, and that variants that disrupt it are likely to be disease-causing. This variant is not present in population databases (gnomAD no frequency). This sequence change creates a premature translational stop signal (p.Asp2580Metfs*11) in the DSP gene. While this is not anticipated to result in nonsense mediated decay, it is expected to disrupt the last 292 amino acid(s) of the DSP protein.